The following is an entry in ClinVar:

NM_004588.5(SCN2B):c.449-130C>T

Gene: SCN2B (sodium voltage-gated channel beta subunit 2; minus strand). Cytogenetic location: 11q23.3.
Variant type: single nucleotide variant.
Coding change: c.449-130C>T on transcript NM_004588.5 (MANE Select); 130 bases into the intron before coding-DNA position 449, C replaced by T.
Molecular consequence: intron variant.
Genome position (GRCh38, 1-based): chr11:118,167,216, G>A on the plus strand (C>T on the coding strand, the complement: SCN2B is on the minus strand). VCF-style: chr11-118167216-G-A. GRCh37 (hg19) VCF-style: chr11-118037931-G-A.
Identifiers: ClinVar variation 674912 (VCV000674912.1), dbSNP rs670038, ClinGen allele CA13510703.

ClinVar aggregate classification (germline): Benign (1 of 4 stars; one submission).

Allele frequency attached by ClinVar (database versions not stated): gnomAD exomes 0.01341; gnomAD 0.11199 and 0.11905; TOPMed 0.12517; 1000 Genomes Project 0.13618; 1000 Genomes Project 30x 0.14335.
gnomAD v4.1: 28,483 of 975,616 alleles (2.9%); highest among the groups gnomAD compares: African/African-American, 39%; 4,679 homozygotes.

Submission:

GeneDx
Classification: Benign. Last evaluated: 2018-06-19. Review status: criteria provided, single submitter. Criteria: GeneDx Variant Classification (06012015). Collection method: clinical testing. Allele origin: germline. Affected: yes.
Comment: This variant is considered likely benign or benign based on one or more of the following criteria: it is a conservative change, it occurs at a poorly conserved position in the protein, it is predicted to be benign by multiple in silico algorithms, and/or has population frequency not consistent with disease.